The following is an entry in ClinVar:

NM_000059.4(BRCA2):c.9109C>A (p.Gln3037Lys)

Gene: BRCA2 (BRCA2 DNA repair associated; plus strand). Cytogenetic location: 13q13.1.
Variant type: single nucleotide variant.
Coding change: c.9109C>A on transcript NM_000059.4 (MANE Select); coding-DNA position 9109, C replaced by A.
Protein change: p.Gln3037Lys; replaces glutamine 3037 with lysine.
Molecular consequence: missense variant.
Genome position (GRCh38, 1-based): chr13:32,379,905, C>A. VCF-style: chr13-32379905-C-A. GRCh37 (hg19) VCF-style: chr13-32954042-C-A.
Other names: short protein forms Q3037K.
Identifiers: ClinVar variation 584865 (VCV000584865.4), dbSNP rs397508037, ClinGen allele CA387757725.

ClinVar aggregate classification (germline): Uncertain significance. Review status: criteria provided, multiple submitters, no conflicts (2 of 4 stars). 2 submissions from 2 submitters: Uncertain significance (2). Last evaluated 2020-12-22.

Conditions:
Hereditary cancer-predisposing syndrome. Also called: Tumor predisposition; Neoplastic Syndromes, Hereditary; Hereditary neoplastic syndrome; Hereditary Cancer Syndrome. Identifiers: Orphanet 140162, MedGen C0027672, MeSH D009386, MONDO:0015356.
Hereditary breast ovarian cancer syndrome. Also called: Hereditary breast and ovarian cancer; Breast and ovarian cancer; Hereditary breast and/or ovarian cancer syndrome; BRCA1- and BRCA2-Associated Hereditary Breast and Ovarian Cancer; Hereditary breast and ovarian cancer syndrome; Hereditary breast and ovarian cancer syndrome (HBOC). Identifiers: Orphanet 145, MedGen C0677776, MeSH D061325, MONDO:0003582. Disease mechanism: loss of function.

Submissions (2):

Ambry Genetics
Classification: Uncertain significance for Hereditary cancer-predisposing syndrome. Last evaluated: 2020-12-22. Review status: criteria provided, single submitter. Criteria: Ambry Variant Classification Scheme 2023. Collection method: clinical testing. Allele origin: germline.
Comment: The p.Q3037K variant (also known as c.9109C>A), located in coding exon 22 of the BRCA2 gene, results from a C to A substitution at nucleotide position 9109. The glutamine at codon 3037 is replaced by lysine, an amino acid with similar properties. This amino acid position is not well conserved in available vertebrate species. In addition, the in silico prediction for this alteration is inconclusive. Since supporting evidence is limited at this time, the clinical significance of this alteration remains unclear.

Mendelics
Classification: Uncertain significance for Hereditary breast and ovarian cancer syndrome. Last evaluated: 2018-07-02. Review status: criteria provided, single submitter. Criteria: Mendelics Assertion Criteria 2017. Collection method: clinical testing. Allele origin: unknown.